The following is an entry in ClinVar:

ClinVar aggregate classification (germline): Likely benign. Review status: criteria provided, multiple submitters, no conflicts (2 of 4 stars). 2 submissions from 2 submitters: Likely benign (2). Last evaluated 2024-10-15.

Conditions:
Early-infantile DEE. Also called: Ohtahara syndrome; Early infantile epileptic encephalopathy with suppression bursts; Early infantile epileptic encephalopathy. Identifiers: Orphanet 1934, MedGen C0393706, MONDO:0800491.

Submissions (2):

Labcorp Genetics (formerly Invitae), Labcorp
Classification: Likely benign for Early-infantile DEE. Last evaluated: 2024-10-15. Review status: criteria provided, single submitter. Criteria: Invitae Variant Classification Sherloc (09022015). Collection method: clinical testing. Allele origin: germline.

CeGaT Center for Human Genetics Tuebingen
Classification: Likely benign. Last evaluated: 2022-07-01. Review status: criteria provided, single submitter. Criteria: CeGaT Center For Human Genetics Tuebingen Variant Classification Criteria Version 2. Collection method: clinical testing. Allele origin: germline. Affected: yes. Observed: 1 variant allele.
Comment: SPTAN1: PM2:Supporting, BP4, BP7

NM_001130438.3(SPTAN1):c.1653G>A (p.Leu551=)

Gene: SPTAN1 (spectrin alpha, non-erythrocytic 1; plus strand). Cytogenetic location: 9q34.11.
Variant type: single nucleotide variant.
Coding change: c.1653G>A on transcript NM_001130438.3 (MANE Select); coding-DNA position 1653, G replaced by A.
Protein change: p.Leu551=; no amino-acid change (leucine 551 retained).
Molecular consequence: synonymous variant.
Genome position (GRCh38, 1-based): chr9:128,582,696, G>A. VCF-style: chr9-128582696-G-A. GRCh37 (hg19) VCF-style: chr9-131344975-G-A.
Other names: c.1653G>A, p.Leu551= (NM_001195532.2, NM_001363759.2, NM_001363765.2 and 5 more transcripts); c.1689G>A, p.Leu563= (NM_001375312.2, NM_001375318.1).
Identifiers: ClinVar variation 1549662 (VCV001549662.32), dbSNP rs2131127973, ClinGen allele CA467484423.